The following is an entry in ClinVar:

NM_003809.3(TNFSF12):c.11G>C (p.Arg4Pro)

Genes: TNFSF12 (TNF superfamily member 12; plus strand), TNFSF12-TNFSF13 (TNFSF12-TNFSF13 readthrough; plus strand). Cytogenetic location: 17p13.1.
Variant type: single nucleotide variant.
Coding change: c.11G>C on transcript NM_003809.3 (MANE Select); coding-DNA position 11, G replaced by C.
Protein change: p.Arg4Pro; replaces arginine 4 with proline.
Molecular consequence: missense variant. On other transcripts: non-coding transcript variant (1).
Genome position (GRCh38, 1-based): chr17:7,549,164, G>C. VCF-style: chr17-7549164-G-C. GRCh37 (hg19) VCF-style: chr17-7452481-G-C.
Other names: c.11G>C, p.Arg4Pro (NM_172089.4); short protein forms R4P.
Identifiers: ClinVar variation 2884637 (VCV002884637.3), dbSNP rs2508303798, ClinGen allele CA397853062.

ClinVar aggregate classification (germline): Uncertain significance (1 of 4 stars; one submission).

Conditions:
Common variable immunodeficiency (CVID). Also called: Common variable hypogamma-globulinemia; Common variable agammaglobulinemia. Identifiers: Orphanet 1572, MedGen C0009447, MONDO:0015517.

Submission:

Labcorp Genetics (formerly Invitae), Labcorp
Classification: Uncertain significance for Common variable immunodeficiency. Last evaluated: 2025-02-11. Review status: criteria provided, single submitter. Criteria: Invitae Variant Classification Sherloc (09022015). Collection method: clinical testing. Allele origin: germline.
Comment: This sequence change replaces arginine, which is basic and polar, with proline, which is neutral and non-polar, at codon 4 of the TNFSF12 protein (p.Arg4Pro). This variant is not present in population databases (gnomAD no frequency). This variant has not been reported in the literature in individuals affected with TNFSF12-related conditions. ClinVar contains an entry for this variant (Variation ID: 2884637). Experimental studies and prediction algorithms are not available or were not evaluated, and the functional significance of this variant is currently unknown. In summary, the available evidence is currently insufficient to determine the role of this variant in disease. Therefore, it has been classified as a Variant of Uncertain Significance.